The following is an entry in ClinVar:

NM_002617.4(PEX10):c.542G>A (p.Trp181Ter)

Gene: PEX10 (peroxisomal biogenesis factor 10; minus strand). Cytogenetic location: 1p36.32.
Variant type: single nucleotide variant.
Coding change: c.542G>A on transcript NM_002617.4 (MANE Select); coding-DNA position 542, G replaced by A.
Protein change: p.Trp181Ter; replaces tryptophan 181 with a stop codon.
Molecular consequence: nonsense. On other transcripts: non-coding transcript variant (1).
Genome position (GRCh38, 1-based): chr1:2,408,510, C>T on the plus strand (G>A on the coding strand, the complement: PEX10 is on the minus strand). VCF-style: chr1-2408510-C-T. GRCh37 (hg19) VCF-style: chr1-2339949-C-T.
Other names: c.542G>A, p.Trp181Ter (NM_001374425.1, NM_153818.2); c.110G>A, p.Trp37Ter (NM_001374426.1, NM_001374427.1); short protein forms W181*, W37*.
Identifiers: ClinVar variation 1723948 (VCV001723948.6), dbSNP rs749637005, ClinGen allele CA538140.

ClinVar aggregate classification (germline): Pathogenic/Likely pathogenic. Review status: criteria provided, multiple submitters, no conflicts (2 of 4 stars). 2 submissions from 2 submitters: Pathogenic (1); Likely pathogenic (1). Last evaluated 2023-07-12.

Conditions:
Peroxisome biogenesis disorder. Identifiers: Orphanet 79189, MedGen C1832200, MONDO:0019234. Disease mechanism: loss of function.
Peroxisome biogenesis disorder, complementation group 7 (CG7). Also called: Peroxisome biogenesis disorder, complementation group B. Identifiers: MedGen C1864399.

Allele frequency attached by ClinVar (database versions not stated): ExAC 0.00001.

Submissions (2):

Labcorp Genetics (formerly Invitae), Labcorp
Classification: Pathogenic for Peroxisome biogenesis disorder, complementation group 7. Last evaluated: 2023-07-12. Review status: criteria provided, single submitter. Criteria: Invitae Variant Classification Sherloc (09022015). Collection method: clinical testing. Allele origin: germline.
Comment: This sequence change creates a premature translational stop signal (p.Trp181*) in the PEX10 gene. It is expected to result in an absent or disrupted protein product. Loss-of-function variants in PEX10 are known to be pathogenic (PMID: 9683594, 10862081, 21031596). For these reasons, this variant has been classified as Pathogenic. ClinVar contains an entry for this variant (Variation ID: 1723948). This variant has not been reported in the literature in individuals affected with PEX10-related conditions. This variant is present in population databases (rs749637005, gnomAD 0.003%).

Myriad Genetics, Inc.
Classification: Likely pathogenic for Peroxisome biogenesis disorder. Last evaluated: 2022-01-15. Review status: criteria provided, single submitter. Criteria: Myriad Autosomal Dominant, Autosomal Recessive and X-Linked Classification Criteria (2023). Collection method: clinical testing. Allele origin: unknown.
Comment: NM_153818.1(PEX10):c.542G>A(W181*) is expected to be pathogenic in the context of peroxisome biogenesis disorder type 6. This variant is predicted to lead to an abnormal or absent protein product due to the creation of a premature termination codon in PEX10, a gene where loss-of-function variants are known to be pathogenic. Please note: this variant was assessed in the context of healthy population screening.

Literature cited by the submitters: PubMed 9683594 (cited by Labcorp Genetics (formerly Invitae), Labcorp); PubMed 10862081 (cited by Labcorp Genetics (formerly Invitae), Labcorp); PubMed 21031596 (cited by Labcorp Genetics (formerly Invitae), Labcorp).